The following is an entry in ClinVar:

NM_000020.3(ACVRL1):c.1251C>T (p.Ile417=)

Gene: ACVRL1 (activin A receptor like type 1; plus strand). Cytogenetic location: 12q13.13.
Variant type: single nucleotide variant.
Coding change: c.1251C>T on transcript NM_000020.3 (MANE Select); coding-DNA position 1251, C replaced by T.
Protein change: p.Ile417=; no amino-acid change (isoleucine 417 retained).
Molecular consequence: synonymous variant.
Genome position (GRCh38, 1-based): chr12:51,918,989, C>T. VCF-style: chr12-51918989-C-T. GRCh37 (hg19) VCF-style: chr12-52312773-C-T.
Other names: c.939C>T, p.Ile313= (NM_001406493.1, NM_001406491.1, NM_001406492.1); c.741C>T, p.Ile247= (NM_001406494.1); c.687C>T, p.Ile229= (NM_001406495.1); c.1251C>T, p.Ile417= (NM_001077401.2, NM_001406487.1, NM_001406488.1 and 1 more transcripts); c.1095C>T, p.Ile365= (NM_001406490.1).
Identifiers: ClinVar variation 2643009 (VCV002643009.26), dbSNP rs879616457, ClinGen allele CA236366605.

ClinVar aggregate classification (germline): Likely benign. Review status: criteria provided, multiple submitters, no conflicts (2 of 4 stars). 3 submissions from 3 submitters: Likely benign (3). Last evaluated 2025-12-03.

Conditions:
Cardiovascular phenotype. Identifiers: MedGen CN230736.
Telangiectasia, hereditary hemorrhagic, type 2 (HHT2). Also called: ACVRL1-Related Hereditary Hemorrhagic Telangiectasia; Telangiectasia, hereditary hemorrhagic, type II. Identifiers: Orphanet 774, MedGen C1838163, MONDO:0010880, OMIM 600376. Disease mechanism: loss of function.

Allele frequency attached by ClinVar (database versions not stated): TOPMed below 0.00001; gnomAD exomes 0.00001.
gnomAD v4.1: 10 of 1,614,180 alleles (0.00062%); highest among the groups gnomAD compares: South Asian, 0.0022%; no homozygotes.

Submissions (3):

Labcorp Genetics (formerly Invitae), Labcorp
Classification: Likely benign for Telangiectasia, hereditary hemorrhagic, type 2. Last evaluated: 2025-12-03. Review status: criteria provided, single submitter. Criteria: Invitae Variant Classification Sherloc (09022015). Collection method: clinical testing. Allele origin: germline.

Ambry Genetics
Classification: Likely benign for Cardiovascular phenotype. Last evaluated: 2023-10-06. Review status: criteria provided, single submitter. Criteria: Ambry Variant Classification Scheme 2023. Collection method: clinical testing. Allele origin: germline.

CeGaT Center for Human Genetics Tuebingen
Classification: Likely benign. Last evaluated: 2022-04-01. Review status: criteria provided, single submitter. Criteria: CeGaT Center For Human Genetics Tuebingen Variant Classification Criteria Version 2. Collection method: clinical testing. Allele origin: germline. Affected: yes. Observed: 1 variant allele.
Comment: ACVRL1: BP4, BP7